The following is an entry in ClinVar:

ClinVar aggregate classification (germline): Uncertain significance (1 of 4 stars; one submission).

Conditions:
RYR1-related disorder. Also called: RYR1-related condition; RYR1-related disorders. Identifiers: MedGen CN239331.

Submission:

Labcorp Genetics (formerly Invitae), Labcorp
Classification: Uncertain significance for RYR1-related disorder. Last evaluated: 2025-11-13. Review status: criteria provided, single submitter. Criteria: Invitae Variant Classification Sherloc (09022015). Collection method: clinical testing. Allele origin: germline.
Comment: This variant, c.2048_2056del, results in the deletion of 3 amino acid(s) of the RYR1 protein (p.Val683_Trp685del), but otherwise preserves the integrity of the reading frame. This variant is not present in population databases (gnomAD no frequency). This variant has not been reported in the literature in individuals affected with RYR1-related conditions. Experimental studies and prediction algorithms are not available or were not evaluated, and the functional significance of this variant is currently unknown. In summary, the available evidence is currently insufficient to determine the role of this variant in disease. Therefore, it has been classified as a Variant of Uncertain Significance.

NM_000540.3(RYR1):c.2048_2056del (p.Val683_Trp685del)

Gene: RYR1 (ryanodine receptor 1; plus strand). Cytogenetic location: 19q13.2.
Variant type: Deletion.
Coding change: c.2048_2056del on transcript NM_000540.3 (MANE Select); coding-DNA positions 2048 to 2056, 9 bases deleted (TGGGCTGGG; older notation c.2048_2056delTGGGCTGGG).
Protein change: p.Val683_Trp685del.
Molecular consequence: inframe deletion.
Genome position (GRCh38, 1-based): chr19:38,458,173-38,458,181, TGGGCTGGG deleted; deleting any 9 consecutive bases within chr19:38,458,170-38,458,181 gives the same sequence; the c. name uses the placement nearest the transcript's 3' end. VCF-style (leftmost placement, unchanged base first): chr19-38458169-CGGGTGGGCT-C. GRCh37 (hg19) VCF-style: chr19-38948809-CGGGTGGGCT-C.
Other names: c.2048_2056del, p.Val683_Trp685del (NM_001042723.2).
Identifiers: ClinVar variation 4729410 (VCV004729410.1).